The following is an entry in ClinVar:

NM_001009944.3(PKD1):c.11713-3C>A

Gene: PKD1 (polycystin 1, transient receptor potential channel interacting; minus strand). Cytogenetic location: 16p13.3.
Variant type: single nucleotide variant.
Coding change: c.11713-3C>A on transcript NM_001009944.3 (MANE Select); 3 bases into the intron before coding-DNA position 11713, C replaced by A.
Molecular consequence: intron variant.
Genome position (GRCh38, 1-based): chr16:2,091,177, G>T on the plus strand (C>A on the coding strand, the complement: PKD1 is on the minus strand). VCF-style: chr16-2091177-G-T. GRCh37 (hg19) VCF-style: chr16-2141178-G-T.
Other names: c.11710-3C>A (NM_000296.4).
Identifiers: ClinVar variation 1806208 (VCV001806208.1), dbSNP rs754015180, ClinGen allele CA1139771261.

ClinVar aggregate classification (germline): Uncertain significance (1 of 4 stars; one submission).

Conditions:
Polycystic kidney disease, adult type (PKD1). Also called: Polycystic Kidney Disease 1, Autosomal Dominant; Polycystic kidney disease 1; Polycystic kidney disease 1, severe; Polycystic Kidney, Autosomal Dominant; POLYCYSTIC KIDNEY DISEASE 1 WITH OR WITHOUT POLYCYSTIC LIVER DISEASE; POLYCYSTIC KIDNEY DISEASE, ADULT, TYPE I. Identifiers: MedGen C3149841, MONDO:0008263, OMIM 173900.

Submission:

Victorian Clinical Genetics Services, Murdoch Childrens Research Institute
Classification: Uncertain significance for Polycystic kidney disease, adult type. Last evaluated: 2021-05-06. Review status: criteria provided, single submitter. Criteria: ACMG Guidelines, 2015. Collection method: clinical testing. Allele origin: germline. Inheritance: Autosomal dominant inheritance. Affected: yes.
Comment: Based on the classification scheme VCGS_Germline_v1.3.4, this variant is classified as VUS-3B. Following criteria are met: 0102 - Loss of function is a known mechanism of disease in this gene and is associated with polycystic kidney disease 1 (MIM#173900). (I) 0107 - This gene is associated with autosomal dominant disease. Polycystic kidney disease 1 (MIM#173900) is predominantly caused by monoallelic variants, with rare reports of biallelic variants causing disease (OMIM). (I) 0212 - Non-canonical splice site variant without proven consequence on splicing (no functional evidence available). (SP) 0251 - This variant is heterozygous. (I) 0301 - Variant is absent from gnomAD (both v2 and v3). (SP) 0508 - In silico predictions for abnormal splicing are conflicting. (I) 0708 - Other non-canonical variants comparable to the one identified in this case have conflicting previous evidence for pathogenicity. c.11713-3C>T has been classified as Likely Benign while c.11713-3C>G as a VUS by diagnostic laboratories in Clinvar (ClinVar; PMID: 29606500). (I) 0807 - This variant has no previous evidence of pathogenicity. (I) 0905 - No published segregation evidence has been identified for this variant. (I) 1007 - No published functional evidence has been identified for this variant. (I) 1208 - Inheritance information for this variant is not currently available in this individual. (I) Legend: (SP) - Supporting pathogenic, (I) - Information, (SB) - Supporting benign

Literature cited by the submitters: PubMed 29606500.